The following is an entry in ClinVar:

ClinVar aggregate classification (germline): Uncertain significance (1 of 4 stars; one submission).

Allele frequency attached by ClinVar (database versions not stated): gnomAD exomes below 0.00001.
gnomAD v4.1: 2 of 1,613,886 alleles (0.00012%); highest among the groups gnomAD compares: Admixed American, 0.0017%; no homozygotes.

Submission:

Labcorp Genetics (formerly Invitae), Labcorp
Classification: Uncertain significance. Last evaluated: 2022-08-12. Review status: criteria provided, single submitter. Criteria: Invitae Variant Classification Sherloc (09022015). Collection method: clinical testing. Allele origin: germline.
Comment: This variant has not been reported in the literature in individuals affected with CACNA1E-related conditions. In summary, the available evidence is currently insufficient to determine the role of this variant in disease. Therefore, it has been classified as a Variant of Uncertain Significance. Advanced modeling of protein sequence and biophysical properties (such as structural, functional, and spatial information, amino acid conservation, physicochemical variation, residue mobility, and thermodynamic stability) performed at Invitae indicates that this missense variant is not expected to disrupt CACNA1E protein function. This variant is not present in population databases (gnomAD no frequency). This sequence change replaces glutamic acid, which is acidic and polar, with aspartic acid, which is acidic and polar, at codon 1993 of the CACNA1E protein (p.Glu1993Asp).

NM_001205293.3(CACNA1E):c.6108A>T (p.Glu2036Asp)

Gene: CACNA1E (calcium voltage-gated channel subunit alpha1 E; plus strand). Cytogenetic location: 1q25.3.
Variant type: single nucleotide variant.
Coding change: c.6108A>T on transcript NM_001205293.3 (MANE Select); coding-DNA position 6108, A replaced by T.
Protein change: p.Glu2036Asp; replaces glutamic acid 2036 with aspartic acid.
Molecular consequence: missense variant.
Genome position (GRCh38, 1-based): chr1:181,794,944, A>T. VCF-style: chr1-181794944-A-T. GRCh37 (hg19) VCF-style: chr1-181764080-A-T.
Other names: c.5979A>T, p.Glu1993Asp (NM_000721.4); c.5922A>T, p.Glu1974Asp (NM_001205294.2); short protein forms E1974D, E1993D, E2036D.
Identifiers: ClinVar variation 1716278 (VCV001716278.5), dbSNP rs2525489369, ClinGen allele CA343632751.